The following is an entry in ClinVar:

NM_033004.4(NLRP1):c.724C>G (p.Pro242Ala)

Gene: NLRP1 (NLR family pyrin domain containing 1; minus strand). Cytogenetic location: 17p13.2.
Variant type: single nucleotide variant.
Coding change: c.724C>G on transcript NM_033004.4 (MANE Select); coding-DNA position 724, C replaced by G.
Protein change: p.Pro242Ala; replaces proline 242 with alanine.
Molecular consequence: missense variant.
Genome position (GRCh38, 1-based): chr17:5,559,972, G>C on the plus strand (C>G on the coding strand, the complement: NLRP1 is on the minus strand). VCF-style: chr17-5559972-G-C. GRCh37 (hg19) VCF-style: chr17-5463292-G-C.
Other names: c.724C>G, p.Pro242Ala (NM_001033053.3, NM_014922.5, NM_033006.4 and 1 more transcripts); short protein forms P242A.
Identifiers: ClinVar variation 1507941 (VCV001507941.6), dbSNP rs761907181, ClinGen allele CA8327498.
Genomic context (GRCh38, chr17:5,559,972, plus strand): 5'-TCTCTCTCACAGAAGGCTCCCATGGGTGGTGGTGGGGCTGTAGGCTGGTGTGCGCCTGTG[G>C]GGGCGTTCCTACCACCGCTGCCCATGGGGGCCTGCCTTTCTCTGATTTCTCTCTCTCTCT-3'
Protein context (NP_127497.1, residues 232-252): PPWAAVVGTP[Pro242Ala]QAHTSLQPHH

ClinVar aggregate classification (germline): Uncertain significance (1 of 4 stars; one submission).

Allele frequency attached by ClinVar (database versions not stated): ExAC 0.00001; gnomAD exomes below 0.00001; TOPMed 0.00001.

Submission:

Labcorp Genetics (formerly Invitae), Labcorp
Classification: Uncertain significance. Last evaluated: 2025-11-19. Review status: criteria provided, single submitter. Criteria: Invitae Variant Classification Sherloc (09022015). Collection method: clinical testing. Allele origin: germline.
Comment: This sequence change replaces proline, which is neutral and non-polar, with alanine, which is neutral and non-polar, at codon 242 of the NLRP1 protein (p.Pro242Ala). This variant is present in population databases (rs761907181, gnomAD 0.0009%). This variant has not been reported in the literature in individuals affected with NLRP1-related conditions. ClinVar contains an entry for this variant (Variation ID: 1507941). An algorithm developed to predict the effect of missense changes on protein structure and function (PolyPhen-2) suggests that this variant is likely to be tolerated. In summary, the available evidence is currently insufficient to determine the role of this variant in disease. Therefore, it has been classified as a Variant of Uncertain Significance.